The following is an entry in ClinVar:

ClinVar aggregate classification (germline): Likely pathogenic (1 of 4 stars; one submission).

Conditions:
Hyaline fibromatosis syndrome (HFS). Also called: HYALINOSIS, SYSTEMIC; Hyalinosis, Inherited Systemic. Identifiers: Orphanet 2028, Orphanet 498474, MedGen C5574677, MONDO:0009229, OMIM 228600.

Submission:

Harry Perkins Institute Of Medical Research, University Of Western Australia
Classification: Likely pathogenic for Hyaline fibromatosis syndrome. Review status: criteria provided, single submitter. Criteria: ACMG Guidelines, 2015. Collection method: research, in vitro. Allele origin: paternal, not applicable. Inheritance: Autosomal recessive inheritance. Affected: yes. Observed: 1 compound heterozygote. Functional consequence: splicing variant, reduced protein expression, loss of function.
Comment: In silico prediction tools supported the pathogenicity of the missense variant (e.g., CADD score of 27.8, REVEL score of 0.731, predicted stability change ∆∆G of 3.11 suggesting a destabilising effect on protein structure). In silico splice prediction (SpliceAI) indicated that the intronic variant result in both acceptor loss and gain, predicted to generate a 12-base pair in-frame insertion in exon 4. i) cDNA studies on patient’s fibroblasts demonstrated heterozygous expression of the missense allele, suggesting that the intronic allele does not undergo nonsense-mediated decay, consistent with an in-frame event. RNA sequencing on the patient’s fibroblasts confirmed the predicted 12-base pair insertion. ii) Western blot analysis of transfected HEK293 cells overexpressing wild-type and mutant (Leu45Pro, Pro226Leu, c.297-13A>G) constructs demonstrated ANTXR2 protein misfolding in mutant constructs compared to wild-type, supporting a deleterious functional impact. iii) Immunofluorescence staining of transfected COS-1 cells overexpressing wild-type and mutant (Leu45Pro, Pro226Leu, c.297-13A>G) constructs showed endoplasmic reticulum retention profile of the mutant proteins compared to wild-type, supporting that misfolded proteins are stuck in the endoplasmic reticulum. iv) Western blot analysis of patient’s fibroblasts showed a reduction of ANTXR2 protein expression relative to the control fibroblast. Patient’s fibroblasts treated with MG132 (proteasome inhibitor) for 4 hours also showed a rescue of ANTXR2 protein expression, suggesting that the ANTXR2 protein in the patient fibroblast is partly degraded by proteasome due to misfolding. Variant identified in trans with ANTXR2 c.677C>T

NM_058172.6(ANTXR2):c.297-13A>G

Gene: ANTXR2 (ANTXR cell adhesion molecule 2; minus strand). Cytogenetic location: 4q21.21.
Variant type: single nucleotide variant.
Coding change: c.297-13A>G on transcript NM_058172.6 (MANE Select); 13 bases into the intron before coding-DNA position 297, A replaced by G.
Molecular consequence: intron variant.
Genome position (GRCh38, 1-based): chr4:80,056,026, T>C on the plus strand (A>G on the coding strand, the complement: ANTXR2 is on the minus strand). VCF-style: chr4-80056026-T-C. GRCh37 (hg19) VCF-style: chr4-80977180-T-C.
Other names: c.66-13A>G (NM_001286780.2, NM_001286781.2); c.297-13A>G (NM_001145794.2).
Identifiers: ClinVar variation 4857662 (VCV004857662.1).